The following is an entry in ClinVar:

NM_001163435.3(TBCK):c.2204C>T (p.Ala735Val)

Gene: TBCK (TBC1 domain containing kinase; minus strand). Cytogenetic location: 4q24.
Variant type: single nucleotide variant.
Coding change: c.2204C>T on transcript NM_001163435.3 (MANE Select); coding-DNA position 2204, C replaced by T.
Protein change: p.Ala735Val; replaces alanine 735 with valine.
Molecular consequence: missense variant.
Genome position (GRCh38, 1-based): chr4:106,171,126, G>A on the plus strand (C>T on the coding strand, the complement: TBCK is on the minus strand). VCF-style: chr4-106171126-G-A. GRCh37 (hg19) VCF-style: chr4-107092283-G-A.
Other names: c.2204C>T, p.Ala735Val (NM_001163436.4); c.2087C>T, p.Ala696Val (NM_001163437.3); c.1688C>T, p.Ala563Val (NM_001290768.2); c.2015C>T, p.Ala672Val (NM_033115.5); short protein forms A563V, A672V, A696V, A735V.
Identifiers: ClinVar variation 1720029 (VCV001720029.5), dbSNP rs2476650301, ClinGen allele CA357819167.

ClinVar aggregate classification (germline): Uncertain significance (1 of 4 stars; one submission).

Submission:

Labcorp Genetics (formerly Invitae), Labcorp
Classification: Uncertain significance. Last evaluated: 2022-10-18. Review status: criteria provided, single submitter. Criteria: Invitae Variant Classification Sherloc (09022015). Collection method: clinical testing. Allele origin: germline.
Comment: This sequence change replaces alanine, which is neutral and non-polar, with valine, which is neutral and non-polar, at codon 735 of the TBCK protein (p.Ala735Val). In summary, the available evidence is currently insufficient to determine the role of this variant in disease. Therefore, it has been classified as a Variant of Uncertain Significance. Algorithms developed to predict the effect of missense changes on protein structure and function output the following: SIFT: "Tolerated"; PolyPhen-2: "Benign"; Align-GVGD: "Class C0". The valine amino acid residue is found in multiple mammalian species, which suggests that this missense change does not adversely affect protein function. This variant has not been reported in the literature in individuals affected with TBCK-related conditions. This variant is not present in population databases (gnomAD no frequency).